The following is an entry in ClinVar:

ClinVar aggregate classification (germline): Uncertain significance. Review status: criteria provided, multiple submitters, no conflicts (2 of 4 stars). 3 submissions from 3 submitters: Uncertain significance (2). 1 of the submissions does not count toward it. Last evaluated 2024-10-07.

Conditions:
Arterial calcification, generalized, of infancy, 2. Identifiers: Orphanet 51608, MedGen C3276161, MONDO:0013768, OMIM 614473.
Autosomal recessive inherited pseudoxanthoma elasticum (PXE). Identifiers: Orphanet 758, MedGen CN032334, MONDO:0009925, OMIM 264800.
Pseudoxanthoma elasticum, forme fruste. Also called: Pseudoxanthoma Elasticum, Incomplete; PSEUDOXANTHOMA ELASTICUM, HETEROZYGOUS. Identifiers: Orphanet 758, MedGen C1867450, MONDO:0008333, OMIM 177850.

Allele frequency attached by ClinVar (database versions not stated): gnomAD exomes below 0.00001; TOPMed 0.00001; gnomAD 0.00001; ExAC 0.00001.
gnomAD v4.1: 8 of 1,612,492 alleles (0.0005%); highest among the groups gnomAD compares: South Asian, 0.0033%; no homozygotes.

Submissions (3):

Labcorp Genetics (formerly Invitae), Labcorp
Classification: Uncertain significance. Last evaluated: 2024-10-07. Review status: criteria provided, single submitter. Criteria: Invitae Variant Classification Sherloc (09022015). Collection method: clinical testing. Allele origin: germline.
Comment: This sequence change replaces aspartic acid, which is acidic and polar, with asparagine, which is neutral and polar, at codon 1397 of the ABCC6 protein (p.Asp1397Asn). The frequency data for this variant in the population databases is considered unreliable, as metrics indicate poor data quality at this position in the gnomAD database. This variant has not been reported in the literature in individuals affected with ABCC6-related conditions. ClinVar contains an entry for this variant (Variation ID: 433437). Invitae Evidence Modeling of protein sequence and biophysical properties (such as structural, functional, and spatial information, amino acid conservation, physicochemical variation, residue mobility, and thermodynamic stability) has been performed for this missense variant. However, the output from this modeling did not meet the statistical confidence thresholds required to predict the impact of this variant on ABCC6 protein function. In summary, the available evidence is currently insufficient to determine the role of this variant in disease. Therefore, it has been classified as a Variant of Uncertain Significance.

Fulgent Genetics
Classification: Uncertain significance for Pseudoxanthoma elasticum, forme fruste; Autosomal recessive inherited pseudoxanthoma elasticum; Arterial calcification, generalized, of infancy, 2. Last evaluated: 2024-04-03. Review status: criteria provided, single submitter. Criteria: ACMG Guidelines, 2015. Collection method: clinical testing. Allele origin: germline.

PXE International
Classification: Uncertain significance for Autosomal recessive inherited pseudoxanthoma elasticum. Last evaluated: 2021-02-16. Review status: no assertion criteria provided. Collection method: research. Allele origin: germline. Inheritance: Autosomal recessive inheritance. Affected: yes. Observed: 2 variant alleles. Not counted in ClinVar's aggregate classification.

Literature cited by the submitters: PubMed 32873932 (cited by PXE International).

NM_001171.6(ABCC6):c.4189G>A (p.Asp1397Asn)

Gene: ABCC6 (ATP binding cassette subfamily C member 6; minus strand). Cytogenetic location: 16p13.11.
Variant type: single nucleotide variant.
Coding change: c.4189G>A on transcript NM_001171.6 (MANE Select); coding-DNA position 4189, G replaced by A.
Protein change: p.Asp1397Asn; replaces aspartic acid 1397 with asparagine.
Molecular consequence: missense variant. On other transcripts: non-coding transcript variant (1).
Genome position (GRCh38, 1-based): chr16:16,154,647, C>T on the plus strand (G>A on the coding strand, the complement: ABCC6 is on the minus strand). VCF-style: chr16-16154647-C-T. GRCh37 (hg19) VCF-style: chr16-16248504-C-T.
Other names: c.3847G>A, p.Asp1283Asn (NM_001351800.1); short protein forms D1397N, D1283N.
Identifiers: ClinVar variation 433437 (VCV000433437.8), dbSNP rs749035807, ClinGen allele CA7925291.